The following is an entry in ClinVar:

ClinVar aggregate classification (germline): Uncertain significance. Review status: criteria provided, multiple submitters, no conflicts (2 of 4 stars). 7 submissions from 7 submitters: Uncertain significance (6). 1 of the submissions does not count toward it. Last evaluated 2025-09-23.

Conditions:
Inborn genetic diseases. Identifiers: MedGen C0950123, MeSH D030342.
Disorders of Intracellular Cobalamin Metabolism. Identifiers: MedGen CN043592.
Cobalamin C disease. Also called: Cobalamin-C methylmalonic acidemia and homocystinuria; Methylmalonic acidemia and homocystinuria cblC type; Methylmalonic aciduria with homocystinuria cblC type; Methylmalonic aciduria and homocystinuria, Vitamin B12-responsive; Vitamin B12 metabolic defect with combined deficiency of methylmalonyl-CoA mutase and homocysteine:methyltetrahydrofolate methyltransferase; methylmalonic aciduria and homocystinuria type cblC. Identifiers: Orphanet 26, Orphanet 79282, MedGen C1848561, MONDO:0010184, OMIM 277400.

Allele frequency attached by ClinVar (database versions not stated): ExAC 0.00004; gnomAD exomes 0.00005; TOPMed 0.00009.
gnomAD v4.1: 46 of 1,613,918 alleles (0.0029%); highest among the groups gnomAD compares: Admixed American, 0.02%; no homozygotes.

Submissions (7):

Mayo Clinic Laboratories, Mayo Clinic
Classification: Uncertain significance. Last evaluated: 2025-09-23. Review status: criteria provided, single submitter. Criteria: ACMG Guidelines, 2015. Collection method: clinical testing. Allele origin: germline. Observed: 1 variant allele.

Labcorp Genetics (formerly Invitae), Labcorp
Classification: Uncertain significance for Cobalamin C disease. Last evaluated: 2025-06-12. Review status: criteria provided, single submitter. Criteria: Invitae Variant Classification Sherloc (09022015). Collection method: clinical testing. Allele origin: germline.
Comment: This sequence change replaces asparagine, which is neutral and polar, with serine, which is neutral and polar, at codon 110 of the MMACHC protein (p.Asn110Ser). This variant is present in population databases (rs781133955, gnomAD 0.02%). This variant has not been reported in the literature in individuals affected with MMACHC-related conditions. ClinVar contains an entry for this variant (Variation ID: 875417). Invitae Evidence Modeling of protein sequence and biophysical properties (such as structural, functional, and spatial information, amino acid conservation, physicochemical variation, residue mobility, and thermodynamic stability) has been performed for this missense variant. However, the output from this modeling did not meet the statistical confidence thresholds required to predict the impact of this variant on MMACHC protein function. In summary, the available evidence is currently insufficient to determine the role of this variant in disease. Therefore, it has been classified as a Variant of Uncertain Significance.

Ambry Genetics
Classification: Uncertain significance for Inborn genetic diseases. Last evaluated: 2024-04-26. Review status: criteria provided, single submitter. Criteria: Ambry Variant Classification Scheme 2023. Collection method: clinical testing. Allele origin: germline.

Revvity Omics, Revvity
Classification: Uncertain significance for Cobalamin C disease. Last evaluated: 2023-12-21. Review status: criteria provided, single submitter. Criteria: ACMG Guidelines, 2015. Collection method: clinical testing. Allele origin: germline.

Genome-Nilou Lab
Classification: Uncertain significance for Cobalamin C disease. Last evaluated: 2023-04-11. Review status: criteria provided, single submitter. Criteria: ACMG Guidelines, 2015. Collection method: clinical testing. Allele origin: germline. Affected: no.

Illumina Laboratory Services, Illumina
Classification: Uncertain significance for Disorders of Intracellular Cobalamin Metabolism. Last evaluated: 2018-01-13. Review status: criteria provided, single submitter. Criteria: ICSL Variant Classification Criteria 13 December 2019. Collection method: clinical testing. Allele origin: germline.

Natera, Inc.
Classification: Uncertain significance for Methylmalonic aciduria with homocystinuria cblC type. Last evaluated: 2020-08-18. Review status: no assertion criteria provided. Collection method: clinical testing. Allele origin: germline. Not counted in ClinVar's aggregate classification.

NM_015506.3(MMACHC):c.329A>G (p.Asn110Ser)

Gene: MMACHC (metabolism of cobalamin associated C; plus strand). Cytogenetic location: 1p34.1.
Variant type: single nucleotide variant.
Coding change: c.329A>G on transcript NM_015506.3 (MANE Select); coding-DNA position 329, A replaced by G.
Protein change: p.Asn110Ser; replaces asparagine 110 with serine.
Molecular consequence: missense variant.
Genome position (GRCh38, 1-based): chr1:45,508,264, A>G. VCF-style: chr1-45508264-A-G. GRCh37 (hg19) VCF-style: chr1-45973936-A-G.
Other names: p.Asn110Ser; c.158A>G, p.Asn53Ser (NM_001330540.2); short protein forms N110S, N53S.
Identifiers: ClinVar variation 875417 (VCV000875417.12), dbSNP rs781133955, ClinGen allele CA827704.